The following is an entry in ClinVar:

NM_145261.4(DNAJC19):c.281-12T>C

Gene: DNAJC19 (DnaJ heat shock protein family (Hsp40) member C19; minus strand). Cytogenetic location: 3q26.33.
Variant type: single nucleotide variant.
Coding change: c.281-12T>C on transcript NM_145261.4 (MANE Select); 12 bases into the intron before coding-DNA position 281, T replaced by C.
Molecular consequence: intron variant.
Genome position (GRCh38, 1-based): chr3:180,984,722, A>G on the plus strand (T>C on the coding strand, the complement: DNAJC19 is on the minus strand). VCF-style: chr3-180984722-A-G. GRCh37 (hg19) VCF-style: chr3-180702510-A-G.
Other names: c.206-12T>C (NM_001190233.2).
Identifiers: ClinVar variation 214297 (VCV000214297.13), dbSNP rs141982712, ClinGen allele CA321388.

ClinVar aggregate classification (germline): Benign/Likely benign. Review status: criteria provided, multiple submitters, no conflicts (2 of 4 stars). 5 submissions from 5 submitters: Benign (4); Likely benign (1). Last evaluated 2026-02-01.

Conditions:
3-methylglutaconic aciduria type 5. Also called: CARDIOMYOPATHY, DILATED, WITH ATAXIA; 3 alpha methylglutaconic aciduria type V; MGA 5; MGA, TYPE V. Identifiers: Orphanet 66634, MedGen C1857776, MONDO:0012435, OMIM 610198.

Allele frequency attached by ClinVar (database versions not stated): TOPMed 0.00059; ESP Exome Variant Server 0.00077; 1000 Genomes Project 30x 0.00109; gnomAD 0.00123 and 0.00127; 1000 Genomes Project 0.00140; gnomAD exomes 0.00170; ExAC 0.00239.
gnomAD v4.1: 1,651 of 1,579,548 alleles (0.1%); highest among the groups gnomAD compares: East Asian, 0.67%; 5 homozygotes.

Submissions (5):

Labcorp Genetics (formerly Invitae), Labcorp
Classification: Benign for 3-methylglutaconic aciduria type 5. Last evaluated: 2026-02-01. Review status: criteria provided, single submitter. Criteria: Invitae Variant Classification Sherloc (09022015). Collection method: clinical testing. Allele origin: germline.

Women's Health and Genetics/Laboratory Corporation of America, LabCorp
Classification: Benign. Last evaluated: 2025-04-17. Review status: criteria provided, single submitter. Criteria: LabCorp Variant Classification Summary - May 2015. Collection method: clinical testing. Allele origin: germline.

Blueprint Genetics
Classification: Likely benign. Last evaluated: 2024-11-26. Review status: criteria provided, single submitter. Criteria: ACMG Guidelines, 2015. Collection method: clinical testing. Allele origin: germline.

GeneDx
Classification: Benign. Last evaluated: 2014-07-15. Review status: criteria provided, single submitter. Criteria: GeneDx Variant Classification (06012015). Collection method: clinical testing. Allele origin: germline. Affected: yes.
Comment: This variant is considered likely benign or benign based on one or more of the following criteria: it is a conservative change, it occurs at a poorly conserved position in the protein, it is predicted to be benign by multiple in silico algorithms, and/or has population frequency not consistent with disease.

Breakthrough Genomics
Classification: Benign. Review status: criteria provided, single submitter. Criteria: ACMG Guidelines, 2015. Collection method: not provided. Allele origin: germline. Inheritance: Autosomal recessive inheritance. Affected: yes.